The following is an entry in ClinVar:

NM_001145809.2(MYH14):c.4943G>A (p.Arg1648Lys)

Gene: MYH14 (myosin heavy chain 14; plus strand). Cytogenetic location: 19q13.33.
Variant type: single nucleotide variant.
Coding change: c.4943G>A on transcript NM_001145809.2 (MANE Select); coding-DNA position 4943, G replaced by A.
Protein change: p.Arg1648Lys; replaces arginine 1648 with lysine.
Molecular consequence: missense variant.
Genome position (GRCh38, 1-based): chr19:50,289,626, G>A. VCF-style: chr19-50289626-G-A. GRCh37 (hg19) VCF-style: chr19-50792883-G-A.
Other names: c.4844G>A, p.Arg1615Lys (NM_001077186.2); c.4820G>A, p.Arg1607Lys (NM_024729.4); short protein forms R1648K, R1615K, R1607K.
Identifiers: ClinVar variation 164200 (VCV000164200.17), dbSNP rs727503228, ClinGen allele CA176917.
Genomic context (GRCh38, chr19:50,289,626, plus strand): 5'-AGGCTCTCAAGACTCAGCATGAGCGTGACCTGCAGGGCCGTGATGAGGCTGGTGAAGAGA[G>A]GCGGAGGCAGCTGGCCAAGCAGGTATTGTCACACAGAAGGCCACAGGGTGCCAGTCCAGC-3'
Protein context (NP_001139281.1, residues 1638-1658): LQGRDEAGEE[Arg1648Lys]RRQLAKQLRD

ClinVar aggregate classification (germline): Conflicting classifications of pathogenicity. Review status: criteria provided, conflicting classifications (1 of 4 stars). 7 submissions from 7 submitters: Uncertain significance (1); Likely benign (6). Last evaluated 2025-12-09.

Conditions:
MYH14-related disorder. Also called: MYH14-related condition.
Inborn genetic diseases. Identifiers: MedGen C0950123, MeSH D030342.

Allele frequency attached by ClinVar (database versions not stated): ExAC 0.00018; TOPMed 0.00018; gnomAD 0.00022 and 0.00023; gnomAD exomes 0.00027.
gnomAD v4.1: 104 of 1,610,186 alleles (0.0065%); highest among the groups gnomAD compares: Admixed American, 0.17%; no homozygotes.

Submissions (7):

Labcorp Genetics (formerly Invitae), Labcorp
Classification: Likely benign. Last evaluated: 2025-12-09. Review status: criteria provided, single submitter. Criteria: Invitae Variant Classification Sherloc (09022015). Collection method: clinical testing. Allele origin: germline.

Women's Health and Genetics/Laboratory Corporation of America, LabCorp
Classification: Likely benign. Last evaluated: 2025-10-10. Review status: criteria provided, single submitter. Criteria: LabCorp Variant Classification Summary - May 2015. Collection method: clinical testing. Allele origin: germline.

Ambry Genetics
Classification: Uncertain significance for Inborn genetic diseases. Last evaluated: 2025-10-01. Review status: criteria provided, single submitter. Criteria: Ambry Variant Classification Scheme 2023. Collection method: clinical testing. Allele origin: germline.

PreventionGenetics, part of Exact Sciences
Classification: Likely benign for MYH14-related condition. Last evaluated: 2025-06-03. Review status: criteria provided, single submitter. Criteria: ACMG Guidelines, 2015. Collection method: clinical testing. Allele origin: germline.
Comment: This variant is classified as likely benign based on ACMG/AMP sequence variant interpretation guidelines (Richards et al. 2015 PMID: 25741868, with internal and published modifications).

Blueprint Genetics
Classification: Likely benign. Last evaluated: 2024-03-14. Review status: criteria provided, single submitter. Criteria: ACMG Guidelines, 2015. Collection method: clinical testing. Allele origin: germline.

GeneDx
Classification: Likely benign. Last evaluated: 2020-03-10. Review status: criteria provided, single submitter. Criteria: GeneDx Variant Classification Process June 2021. Collection method: clinical testing. Allele origin: germline. Affected: yes.

Laboratory for Molecular Medicine, Mass General Brigham Personalized Medicine
Classification: Likely benign. Last evaluated: 2016-04-12. Review status: criteria provided, single submitter. Criteria: LMM Criteria. Collection method: clinical testing. Allele origin: germline. Observed: 2 variant alleles.
Comment: p.Arg1648Lys in exon 35 of MYH14: This variant is not expected to have clinical significance due to a lack of conservation across species, including mammals. O f note, wallaby has a lysine (Lys) at this position despite high nearby amino ac id conservation. It has been identified in 0.2% (16/7328) of Latino chromosomes by the Exome Aggregation Consortium (ExAC).